The following is an entry in ClinVar:

ClinVar aggregate classification (germline): Conflicting classifications of pathogenicity. Review status: criteria provided, conflicting classifications (1 of 4 stars). 2 submissions from 2 submitters: Uncertain significance (1); Benign (1). Last evaluated 2024-06-10.

Conditions:
Retinal dystrophy. Also called: Inherited retinal dystrophy. Identifiers: Orphanet 71862, MedGen C0854723, MeSH D058499, MONDO:0019118, HP:0000556.

Allele frequency attached by ClinVar (database versions not stated): gnomAD exomes 0.00001.
gnomAD v4.1: 9 of 1,614,194 alleles (0.00056%); highest among the groups gnomAD compares: East Asian, 0.016%; no homozygotes.

Submissions (2):

Labcorp Genetics (formerly Invitae), Labcorp
Classification: Uncertain significance. Last evaluated: 2024-06-10. Review status: criteria provided, single submitter. Criteria: Invitae Variant Classification Sherloc (09022015). Collection method: clinical testing. Allele origin: germline.
Comment: This sequence change replaces glutamine, which is neutral and polar, with arginine, which is basic and polar, at codon 478 of the SEMA4A protein (p.Gln478Arg). This variant is not present in population databases (gnomAD no frequency). This variant has not been reported in the literature in individuals affected with SEMA4A-related conditions. An algorithm developed to predict the effect of missense changes on protein structure and function (PolyPhen-2) suggests that this variant is likely to be tolerated. Algorithms developed to predict the effect of sequence changes on RNA splicing suggest that this variant may disrupt the consensus splice site. In summary, the available evidence is currently insufficient to determine the role of this variant in disease. Therefore, it has been classified as a Variant of Uncertain Significance.

Dept Of Ophthalmology, Nagoya University
Classification: Benign for Retinal dystrophy. Last evaluated: 2023-10-01. Review status: criteria provided, single submitter. Criteria: Submitter's publication. Collection method: research. Allele origin: germline. Affected: yes.

NM_022367.4(SEMA4A):c.1433A>G (p.Gln478Arg)

Gene: SEMA4A (semaphorin 4A; plus strand). Cytogenetic location: 1q22.
Variant type: single nucleotide variant.
Coding change: c.1433A>G on transcript NM_022367.4 (MANE Select); coding-DNA position 1433, A replaced by G.
Protein change: p.Gln478Arg; replaces glutamine 478 with arginine.
Molecular consequence: missense variant.
Genome position (GRCh38, 1-based): chr1:156,174,939, A>G. VCF-style: chr1-156174939-A-G. GRCh37 (hg19) VCF-style: chr1-156144730-A-G.
Other names: c.1433A>G, p.Gln478Arg (NM_001193300.2, NM_001193301.2, NM_001370567.1); c.1037A>G, p.Gln346Arg (NM_001193302.2); c.1136A>G, p.Gln379Arg (NM_001370568.1); c.926A>G, p.Gln309Arg (NM_001370569.1, NM_001370571.1); short protein forms Q309R, Q346R, Q379R, Q478R.
Identifiers: ClinVar variation 3028261 (VCV003028261.3), dbSNP rs1572428364, ClinGen allele CA342809160.